The following is an entry in ClinVar:

NM_006231.4(POLE):c.4341C>T (p.Val1447=)

Gene: POLE (DNA polymerase epsilon, catalytic subunit; minus strand). Cytogenetic location: 12q24.33.
Variant type: single nucleotide variant.
Coding change: c.4341C>T on transcript NM_006231.4 (MANE Select); coding-DNA position 4341, C replaced by T.
Protein change: p.Val1447=; no amino-acid change (valine 1447 retained).
Molecular consequence: synonymous variant.
Genome position (GRCh38, 1-based): chr12:132,643,510, G>A on the plus strand (C>T on the coding strand, the complement: POLE is on the minus strand). VCF-style: chr12-132643510-G-A. GRCh37 (hg19) VCF-style: chr12-133220096-G-A.
Identifiers: ClinVar variation 240511 (VCV000240511.16), dbSNP rs878854870, ClinGen allele CA10582992.

ClinVar aggregate classification (germline): Likely benign. Review status: criteria provided, multiple submitters, no conflicts (2 of 4 stars). 3 submissions from 3 submitters: Likely benign (3). Last evaluated 2025-11-24.

Conditions:
Hereditary cancer-predisposing syndrome. Also called: Tumor predisposition; Neoplastic Syndromes, Hereditary; Hereditary Cancer Syndrome; Hereditary neoplastic syndrome. Identifiers: Orphanet 140162, MedGen C0027672, MeSH D009386, MONDO:0015356.

Allele frequency attached by ClinVar (database versions not stated): gnomAD exomes below 0.00001; TOPMed 0.00001.
gnomAD v4.1: 3 of 1,614,154 alleles (0.00019%); highest among the groups gnomAD compares: Non-Finnish European, 0.00017%; no homozygotes.

Submissions (3):

Labcorp Genetics (formerly Invitae), Labcorp
Classification: Likely benign. Last evaluated: 2025-11-24. Review status: criteria provided, single submitter. Criteria: Invitae Variant Classification Sherloc (09022015). Collection method: clinical testing. Allele origin: germline.

GeneDx
Classification: Likely benign. Last evaluated: 2017-10-31. Review status: criteria provided, single submitter. Criteria: GeneDx Variant Classification (06012015). Collection method: clinical testing. Allele origin: germline. Affected: yes.
Comment: This variant is considered likely benign or benign based on one or more of the following criteria: it is a conservative change, it occurs at a poorly conserved position in the protein, it is predicted to be benign by multiple in silico algorithms, and/or has population frequency not consistent with disease.

Ambry Genetics
Classification: Likely benign for Hereditary cancer-predisposing syndrome. Last evaluated: 2016-02-11. Review status: criteria provided, single submitter. Criteria: Ambry Variant Classification Scheme 2023. Collection method: clinical testing. Allele origin: germline.